The following is an entry in ClinVar:

ClinVar aggregate classification (germline): Pathogenic. Review status: criteria provided, multiple submitters, no conflicts (2 of 4 stars). 5 submissions from 5 submitters: Pathogenic (4). 1 of the submissions does not count toward it. Last evaluated 2024-10-11.

Conditions:
Congenital myasthenic syndrome 5. Identifiers: Orphanet 590, MedGen C1864233, MONDO:0011281, OMIM 603034.

Submissions (5):

GeneDx
Classification: Pathogenic. Last evaluated: 2024-10-11. Review status: criteria provided, single submitter. Criteria: GeneDx Variant Classification Process June 2021. Collection method: clinical testing. Allele origin: germline. Affected: yes.
Comment: Published functional studies demonstrate a damaging effect and show that this variant does not effectively associate with catalytic subunits and fails to form the expected asymmetric AChE complexes (PMID: 9689136); Frameshift variant predicted to result in protein truncation or nonsense mediated decay in a gene for which loss of function is a known mechanism of disease; Not observed at significant frequency in large population cohorts (gnomAD); This variant is associated with the following publications: (PMID: 28024842, 9689136)

Baylor Genetics
Classification: Pathogenic for Congenital myasthenic syndrome 5. Last evaluated: 2023-12-07. Review status: criteria provided, single submitter. Criteria: ACMG Guidelines, 2015. Collection method: clinical testing. Allele origin: unknown.

Labcorp Genetics (formerly Invitae), Labcorp
Classification: Pathogenic for Congenital myasthenic syndrome 5. Last evaluated: 2022-10-17. Review status: criteria provided, single submitter. Criteria: Invitae Variant Classification Sherloc (09022015). Collection method: clinical testing. Allele origin: germline.
Comment: This variant is present in population databases (rs759911990, gnomAD 0.003%). For these reasons, this variant has been classified as Pathogenic. ClinVar contains an entry for this variant (Variation ID: 6653). This premature translational stop signal has been observed in individual(s) with clinical features of COLQ-related conditions (PMID: 9689136, 28024842). This sequence change creates a premature translational stop signal (p.Pro265Alafs*37) in the COLQ gene. It is expected to result in an absent or disrupted protein product. Loss-of-function variants in COLQ are known to be pathogenic (PMID: 22678886).

Revvity Omics, Revvity
Classification: Pathogenic for Congenital myasthenic syndrome 5. Last evaluated: 2021-09-05. Review status: criteria provided, single submitter. Criteria: ACMG Guidelines, 2015. Collection method: clinical testing. Allele origin: germline.

OMIM
Classification: Pathogenic for MYASTHENIC SYNDROME, CONGENITAL, 5. Last evaluated: 1998-08-04. Review status: no assertion criteria provided. Collection method: literature only. Allele origin: germline. Not counted in ClinVar's aggregate classification.

Literature cited by the submitters: PubMed 9689136 (cited by Labcorp Genetics (formerly Invitae), Labcorp and OMIM); PubMed 28024842 (cited by Labcorp Genetics (formerly Invitae), Labcorp); PubMed 22678886 (cited by Labcorp Genetics (formerly Invitae), Labcorp).

NM_005677.4(COLQ):c.788dup (p.Pro265fs)

Gene: COLQ (collagen like tail subunit of asymmetric acetylcholinesterase; minus strand). Cytogenetic location: 3p25.1.
Variant type: Duplication.
Coding change: c.788dup on transcript NM_005677.4 (MANE Select); coding-DNA position 788, one base duplicated (C; older notation c.788dupC).
Protein change: p.Pro265fs; shifts the reading frame from proline 265.
Molecular consequence: frameshift variant.
Genome position (GRCh38, 1-based): chr3:15,466,367, G duplicated on the plus strand (C on the coding strand, the reverse complement: COLQ is on the minus strand); the first of 2 consecutive G bases (chr3:15,466,367-15,466,368); duplicating either gives the same sequence. VCF-style (leftmost placement, unchanged base first): chr3-15466366-C-CG. GRCh37 (hg19) VCF-style: chr3-15507873-C-CG.
Other names: c.758dup, p.Pro255fs (NM_080538.2); c.686dup, p.Pro231fs (NM_080539.4); short protein forms P231fs, P255fs, P265fs.
Identifiers: ClinVar variation 6653 (VCV000006653.13), dbSNP rs759911990, ClinGen allele CA2275972.